The following is an entry in ClinVar:

NM_000383.4(AIRE):c.1540del (p.Asp514fs)

Genes: AIRE (autoimmune regulator; plus strand), LOC130066813 (ATAC-STARR-seq lymphoblastoid silent region 13378; plus strand). Cytogenetic location: 21q22.3.
Variant type: Deletion.
Coding change: c.1540del on transcript NM_000383.4 (MANE Select); coding-DNA position 1540, one base deleted (G; older notation c.1540delG).
Protein change: p.Asp514fs; shifts the reading frame from aspartic acid 514.
Molecular consequence: frameshift variant.
Genome position (GRCh38, 1-based): chr21:44,296,419, G deleted; the last of 3 consecutive G bases (chr21:44,296,417-44,296,419); deleting any one gives the same sequence. VCF-style (leftmost placement, unchanged base first): chr21-44296416-AG-A. GRCh37 (hg19) VCF-style: chr21-45716299-AG-A.
Other names: short protein forms D514fs.
Identifiers: ClinVar variation 1455197 (VCV001455197.6), dbSNP rs2146388096, ClinGen allele CA2573157551.

ClinVar aggregate classification (germline): Pathogenic (1 of 4 stars; one submission).

Conditions:
Polyglandular autoimmune syndrome, type 1 (APS1). Also called: PGA I; HYPOADRENOCORTICISM WITH HYPOPARATHYROIDISM AND SUPERFICIAL MONILIASIS; Autoimmune polyendocrine syndrome type 1; AUTOIMMUNE POLYENDOCRINE SYNDROME, TYPE I, WITH OR WITHOUT REVERSIBLE METAPHYSEAL DYSPLASIA; Whitaker syndrome; Autoimmune polyendocrinopathy syndrome, type I. Identifiers: Orphanet 3453, MedGen C0085859, MONDO:0009411, OMIM 240300.

Submission:

Labcorp Genetics (formerly Invitae), Labcorp
Classification: Pathogenic for Polyglandular autoimmune syndrome, type 1. Last evaluated: 2021-07-20. Review status: criteria provided, single submitter. Criteria: Invitae Variant Classification Sherloc (09022015). Collection method: clinical testing. Allele origin: germline.
Comment: For these reasons, this variant has been classified as Pathogenic. This variant disrupts a region of the AIRE protein in which other variant(s) (p.Pro539) have been determined to be pathogenic (PMID: 11836330, 15811934, 17289071, 17675238, 21295522, 28446514). This suggests that this is a clinically significant region of the protein, and that variants that disrupt it are likely to be disease-causing. This variant has not been reported in the literature in individuals affected with AIRE-related conditions. This variant is not present in population databases (ExAC no frequency). This sequence change creates a premature translational stop signal (p.Asp514Metfs*7) in the AIRE gene. While this is not anticipated to result in nonsense mediated decay, it is expected to disrupt the last 32 amino acid(s) of the AIRE protein.

Literature cited by the submitters: PubMed 11836330; PubMed 15811934; PubMed 17289071; PubMed 17675238; PubMed 21295522; PubMed 28446514.